The following is an entry in ClinVar:

NM_001191061.2(SLC25A22):c.782A>G (p.Asn261Ser)

Gene: SLC25A22 (solute carrier family 25 member 22; minus strand). Cytogenetic location: 11p15.5.
Variant type: single nucleotide variant.
Coding change: c.782A>G on transcript NM_001191061.2 (MANE Select); coding-DNA position 782, A replaced by G.
Protein change: p.Asn261Ser; replaces asparagine 261 with serine.
Molecular consequence: missense variant.
Genome position (GRCh38, 1-based): chr11:792,178, T>C on the plus strand (A>G on the coding strand, the complement: SLC25A22 is on the minus strand). VCF-style: chr11-792178-T-C. GRCh37 (hg19) VCF-style: chr11-792178-T-C.
Other names: c.821A>G, p.Asn274Ser (NM_001425335.1); c.797A>G, p.Asn266Ser (NM_001425336.1); c.782A>G, p.Asn261Ser (NM_001425337.1, NM_001425338.1, NM_001425339.1 and 4 more transcripts); c.779A>G, p.Asn260Ser (NM_001425340.1); c.770A>G, p.Asn257Ser (NM_001425341.1); c.464A>G, p.Asn155Ser (NM_001425344.1); c.857A>G, p.Asn286Ser (NM_001425334.1); short protein forms N260S, N257S, N286S, N155S, N261S, N266S, N274S.
Identifiers: ClinVar variation 3667610 (VCV003667610.2).

ClinVar aggregate classification (germline): Uncertain significance (1 of 4 stars; one submission).

Conditions:
Early-infantile DEE. Also called: Ohtahara syndrome; Early infantile epileptic encephalopathy with suppression bursts; Early infantile epileptic encephalopathy. Identifiers: Orphanet 1934, MedGen C0393706, MONDO:0800491.

Submission:

Labcorp Genetics (formerly Invitae), Labcorp
Classification: Uncertain significance for Early-infantile DEE. Last evaluated: 2024-05-13. Review status: criteria provided, single submitter. Criteria: Invitae Variant Classification Sherloc (09022015). Collection method: clinical testing. Allele origin: germline.
Comment: This sequence change replaces asparagine, which is neutral and polar, with serine, which is neutral and polar, at codon 261 of the SLC25A22 protein (p.Asn261Ser). This variant is present in population databases (no rsID available, gnomAD 0.0009%). This variant has not been reported in the literature in individuals affected with SLC25A22-related conditions. An algorithm developed to predict the effect of missense changes on protein structure and function (PolyPhen-2) suggests that this variant is likely to be tolerated. In summary, the available evidence is currently insufficient to determine the role of this variant in disease. Therefore, it has been classified as a Variant of Uncertain Significance.